The following is an entry in ClinVar:

ClinVar aggregate classification (germline): Uncertain significance (1 of 4 stars; one submission).

Conditions:
Cardiomyopathy (CMYO). Also called: Cardiomyopathies. Identifiers: Orphanet 167848, MedGen C0878544, MONDO:0004994, HP:0001638. Inheritance: Various modes of inheritance.

Submission:

Color Diagnostics, LLC DBA Color Health
Classification: Uncertain significance for Cardiomyopathy. Last evaluated: 2025-07-14. Review status: criteria provided, single submitter. Criteria: ACMG Guidelines, 2015. Collection method: clinical testing. Allele origin: germline.
Comment: This missense variant replaces glutamic acid with aspartic acid at codon 1179 of the MYH7 protein. Computational prediction is inconclusive regarding the impact of this variant on protein structure and function. To our knowledge, functional studies have not been reported for this variant. This variant has not been reported in individuals affected with MYH7-related disorders in the literature. This variant has not been identified in the general population by the Genome Aggregation Database (gnomAD). The available evidence is insufficient to determine the role of this variant in disease conclusively. Therefore, this variant is classified as a Variant of Uncertain Significance.

NM_000257.4(MYH7):c.3537G>T (p.Glu1179Asp)

Gene: MYH7 (myosin heavy chain 7; minus strand). Cytogenetic location: 14q11.2.
Variant type: single nucleotide variant.
Coding change: c.3537G>T on transcript NM_000257.4 (MANE Select); coding-DNA position 3537, G replaced by T.
Protein change: p.Glu1179Asp; replaces glutamic acid 1179 with aspartic acid.
Molecular consequence: missense variant.
Genome position (GRCh38, 1-based): chr14:23,420,034, C>A on the plus strand (G>T on the coding strand, the complement: MYH7 is on the minus strand). VCF-style: chr14-23420034-C-A. GRCh37 (hg19) VCF-style: chr14-23889243-C-A.
Other names: c.3537G>T, p.Glu1179Asp (NM_001407004.1); short protein forms E1179D.
Identifiers: ClinVar variation 4757384 (VCV004757384.1).